The following is an entry in ClinVar:

ClinVar aggregate classification (germline): Uncertain significance. Review status: criteria provided, multiple submitters, no conflicts (2 of 4 stars). 2 submissions from 2 submitters: Uncertain significance (2). Last evaluated 2023-12-18.

Allele frequency attached by ClinVar (database versions not stated): gnomAD exomes below 0.00001.
gnomAD v4.1: 1 of 1,614,062 alleles (0.000062%); no homozygotes.

Submissions (2):

Labcorp Genetics (formerly Invitae), Labcorp
Classification: Uncertain significance. Last evaluated: 2023-12-18. Review status: criteria provided, single submitter. Criteria: Invitae Variant Classification Sherloc (09022015). Collection method: clinical testing. Allele origin: germline.
Comment: This sequence change replaces arginine, which is basic and polar, with tryptophan, which is neutral and slightly polar, at codon 603 of the FOXP1 protein (p.Arg603Trp). This variant is not present in population databases (gnomAD no frequency). This variant has not been reported in the literature in individuals affected with FOXP1-related conditions. ClinVar contains an entry for this variant (Variation ID: 1298923). Advanced modeling of protein sequence and biophysical properties (such as structural, functional, and spatial information, amino acid conservation, physicochemical variation, residue mobility, and thermodynamic stability) performed at Invitae indicates that this missense variant is not expected to disrupt FOXP1 protein function with a negative predictive value of 80%. In summary, the available evidence is currently insufficient to determine the role of this variant in disease. Therefore, it has been classified as a Variant of Uncertain Significance.

CeGaT Center for Human Genetics Tuebingen
Classification: Uncertain significance. Last evaluated: 2021-07-01. Review status: criteria provided, single submitter. Criteria: CeGaT Center For Human Genetics Tuebingen Variant Classification Criteria Version 2. Collection method: clinical testing. Allele origin: germline. Affected: yes. Observed: 1 variant allele.

NM_001349338.3(FOXP1):c.1807C>T (p.Arg603Trp)

Gene: FOXP1 (forkhead box P1; minus strand). Cytogenetic location: 3p13.
Variant type: single nucleotide variant.
Coding change: c.1807C>T on transcript NM_001349338.3 (MANE Select); coding-DNA position 1807, C replaced by T.
Protein change: p.Arg603Trp; replaces arginine 603 with tryptophan.
Molecular consequence: missense variant. On other transcripts: non-coding transcript variant (2).
Genome position (GRCh38, 1-based): chr3:70,965,972, G>A on the plus strand (C>T on the coding strand, the complement: FOXP1 is on the minus strand). VCF-style: chr3-70965972-G-A. GRCh37 (hg19) VCF-style: chr3-71015123-G-A.
Other names: c.1804C>T, p.Arg602Trp (NM_001244808.3, NM_001349341.3); c.1855C>T, p.Arg619Trp (NM_001244810.2); c.1579C>T, p.Arg527Trp (NM_001244812.3); c.1507C>T, p.Arg503Trp (NM_001244813.3, NM_001244815.2, NM_001349342.3); c.1807C>T, p.Arg603Trp (NM_001244814.3, NM_001244816.2, NM_001349340.3 and 1 more transcripts); c.1504C>T, p.Arg502Trp (NM_001349337.2, NM_001349343.3, NM_001349344.3 and 1 more transcripts); short protein forms R502W, R503W, R527W, R602W, R603W, R619W.
Identifiers: ClinVar variation 1298923 (VCV001298923.38), dbSNP rs2034676627, ClinGen allele CA353489620.